The following is an entry in ClinVar:

NM_004655.4(AXIN2):c.2238-15C>T

Gene: AXIN2 (axin 2; minus strand). Cytogenetic location: 17q24.1.
Variant type: single nucleotide variant.
Coding change: c.2238-15C>T on transcript NM_004655.4 (MANE Select); 15 bases into the intron before coding-DNA position 2238, C replaced by T.
Molecular consequence: intron variant.
Genome position (GRCh38, 1-based): chr17:65,534,094, G>A on the plus strand (C>T on the coding strand, the complement: AXIN2 is on the minus strand). VCF-style: chr17-65534094-G-A. GRCh37 (hg19) VCF-style: chr17-63530212-G-A.
Other names: c.2238-15C>T (LRG_296t1); c.2043-15C>T (NM_001363813.1).
Identifiers: ClinVar variation 381348 (VCV000381348.9), dbSNP rs368693492, ClinGen allele CA8718346.

ClinVar aggregate classification (germline): Likely benign. Review status: criteria provided, multiple submitters, no conflicts (2 of 4 stars). 3 submissions from 3 submitters: Likely benign (3). Last evaluated 2025-08-20.

Conditions:
Oligodontia-cancer predisposition syndrome. Also called: TOOTH AGENESIS-COLORECTAL CANCER SYNDROME. Identifiers: Orphanet 300576, MedGen C1837750, MONDO:0012075, OMIM 608615. Disease mechanism: loss of function.

Allele frequency attached by ClinVar (database versions not stated): gnomAD exomes below 0.00001; ExAC 0.00001; gnomAD 0.00001; TOPMed 0.00001; ESP Exome Variant Server 0.00008.
gnomAD v4.1: 1 of 1,614,056 alleles (0.000062%); highest among the groups gnomAD compares: Non-Finnish European, 0.000085%; no homozygotes.

Submissions (3):

Labcorp Genetics (formerly Invitae), Labcorp
Classification: Likely benign for Oligodontia-cancer predisposition syndrome. Last evaluated: 2025-08-20. Review status: criteria provided, single submitter. Criteria: Invitae Variant Classification Sherloc (09022015). Collection method: clinical testing. Allele origin: germline.

Myriad Genetics, Inc.
Classification: Likely benign for Oligodontia-cancer predisposition syndrome. Last evaluated: 2024-07-10. Review status: criteria provided, single submitter. Criteria: Myriad Autosomal Dominant, Autosomal Recessive and X-Linked Classification Criteria (2023). Collection method: clinical testing. Allele origin: unknown.
Comment: This variant is considered likely benign. This variant is intronic and is not expected to impact mRNA splicing.

GeneDx
Classification: Likely benign. Last evaluated: 2015-11-04. Review status: criteria provided, single submitter. Criteria: GeneDx Variant Classification (06012015). Collection method: clinical testing. Allele origin: germline. Affected: yes.
Comment: This variant is considered likely benign or benign based on one or more of the following criteria: it is a conservative change, it occurs at a poorly conserved position in the protein, it is predicted to be benign by multiple in silico algorithms, and/or has population frequency not consistent with disease.